The following is an entry in ClinVar:

NM_020247.5(COQ8A):c.664G>A (p.Val222Met)

Gene: COQ8A (coenzyme Q8A; plus strand). Cytogenetic location: 1q42.13.
Variant type: single nucleotide variant.
Coding change: c.664G>A on transcript NM_020247.5 (MANE Select); coding-DNA position 664, G replaced by A.
Protein change: p.Val222Met; replaces valine 222 with methionine.
Molecular consequence: missense variant.
Genome position (GRCh38, 1-based): chr1:226,977,457, G>A. VCF-style: chr1-226977457-G-A. GRCh37 (hg19) VCF-style: chr1-227165158-G-A.
Other names: p.V222M:GTG>ATG; short protein forms V222M.
Identifiers: ClinVar variation 214041 (VCV000214041.9), dbSNP rs372435075, ClinGen allele CA321287.

ClinVar aggregate classification (germline): Uncertain significance. Review status: criteria provided, multiple submitters, no conflicts (2 of 4 stars). 3 submissions from 3 submitters: Uncertain significance (3). Last evaluated 2026-01-09.

Conditions:
Autosomal recessive ataxia due to ubiquinone deficiency. Also called: SPINOCEREBELLAR ATAXIA, AUTOSOMAL RECESSIVE 9; Coenzyme Q10 deficiency, primary, 4. Identifiers: Orphanet 139485, MedGen C2677589, MONDO:0012784, OMIM 612016.

Allele frequency attached by ClinVar (database versions not stated): TOPMed 0.00005; gnomAD 0.00006 and 0.00007; ESP Exome Variant Server 0.00008; gnomAD exomes 0.00010; 1000 Genomes Project 30x 0.00016; 1000 Genomes Project 0.00020; ExAC 0.00042.
gnomAD v4.1: 119 of 1,564,184 alleles (0.0076%); highest among the groups gnomAD compares: Non-Finnish European, 0.009%; no homozygotes.

Submissions (3):

Labcorp Genetics (formerly Invitae), Labcorp
Classification: Uncertain significance. Last evaluated: 2026-01-09. Review status: criteria provided, single submitter. Criteria: Invitae Variant Classification Sherloc (09022015). Collection method: clinical testing. Allele origin: germline.
Comment: This sequence change replaces valine, which is neutral and non-polar, with methionine, which is neutral and non-polar, at codon 222 of the COQ8A protein (p.Val222Met). The frequency data for this variant in the population databases is considered unreliable, as metrics indicate poor data quality at this position in the gnomAD database. This variant has not been reported in the literature in individuals affected with COQ8A-related conditions. ClinVar contains an entry for this variant (Variation ID: 214041). Invitae Evidence Modeling of protein sequence and biophysical properties (such as structural, functional, and spatial information, amino acid conservation, physicochemical variation, residue mobility, and thermodynamic stability) has been performed for this missense variant. However, the output from this modeling did not meet the statistical confidence thresholds required to predict the impact of this variant on COQ8A protein function. In summary, the available evidence is currently insufficient to determine the role of this variant in disease. Therefore, it has been classified as a Variant of Uncertain Significance.

GeneDx
Classification: Uncertain significance. Last evaluated: 2024-11-07. Review status: criteria provided, single submitter. Criteria: GeneDx Variant Classification Process June 2021. Collection method: clinical testing. Allele origin: germline. Affected: yes.
Comment: In silico analysis indicates that this missense variant does not alter protein structure/function; Has not been previously published as pathogenic or benign to our knowledge

Baylor Genetics
Classification: Uncertain significance for Autosomal recessive ataxia due to ubiquinone deficiency. Last evaluated: 2019-03-26. Review status: criteria provided, single submitter. Criteria: ACMG Guidelines, 2015. Collection method: clinical testing. Allele origin: unknown. Affected: yes.
Comment: This variant was determined to be of uncertain significance according to ACMG Guidelines, 2015 [PMID:25741868].